The following is an entry in ClinVar:

ClinVar aggregate classification (germline): Uncertain significance (1 of 4 stars; one submission).

Submission:

Mayo Clinic Laboratories, Mayo Clinic
Classification: Uncertain significance. Last evaluated: 2025-10-01. Review status: criteria provided, single submitter. Criteria: ACMG Guidelines, 2015. Collection method: clinical testing. Allele origin: germline. Observed: 1 variant allele.
Comment: BP4, PM2_supporting

NM_001372123.1(IKZF5):c.884C>A (p.Ala295Glu)

Gene: IKZF5 (IKAROS family zinc finger 5; minus strand). Cytogenetic location: 10q26.13.
Variant type: single nucleotide variant.
Coding change: c.884C>A on transcript NM_001372123.1 (MANE Select); coding-DNA position 884, C replaced by A.
Protein change: p.Ala295Glu; replaces alanine 295 with glutamic acid.
Molecular consequence: missense variant.
Genome position (GRCh38, 1-based): chr10:122,994,156, G>T on the plus strand (C>A on the coding strand, the complement: IKZF5 is on the minus strand). VCF-style: chr10-122994156-G-T. GRCh37 (hg19) VCF-style: chr10-124753672-G-T.
Other names: p.Ala295Glu; c.884C>A, p.Ala295Glu (NM_001271840.1, NM_001372125.1, NM_001372126.1 and 2 more transcripts); c.680C>A, p.Ala227Glu (NM_001372124.1, NM_001372129.1, NM_001372130.1 and 1 more transcripts); short protein forms A227E, A295E.
Identifiers: ClinVar variation 4541599 (VCV004541599.1).